The following is an entry in ClinVar:

ClinVar aggregate classification (germline): Benign. Review status: criteria provided, multiple submitters, no conflicts (2 of 4 stars). 2 submissions from 2 submitters: Benign (2). Last evaluated 2018-06-26.

Conditions:
Hypogonadotropic hypogonadism 7 with or without anosmia (HH7). Also called: HYPOGONADOTROPIC HYPOGONADISM 7 WITHOUT ANOSMIA; GNRHR-Related GnRH Deficiency. Identifiers: Orphanet 432, MedGen C0342384, MONDO:0007794, OMIM 146110.

Allele frequency attached by ClinVar (database versions not stated): gnomAD 0.44799 and 0.43890; TOPMed 0.43293; 1000 Genomes Project 0.46605; 1000 Genomes Project 30x 0.45862.

Submissions (2):

GeneDx
Classification: Benign. Last evaluated: 2018-06-26. Review status: criteria provided, single submitter. Criteria: GeneDx Variant Classification Process June 2021. Collection method: clinical testing. Allele origin: germline. Affected: yes.

Illumina Laboratory Services, Illumina
Classification: Benign for Hypogonadotropic hypogonadism 7 with or without anosmia. Last evaluated: 2018-01-13. Review status: criteria provided, single submitter. Criteria: ICSL Variant Classification Criteria 13 December 2019. Collection method: clinical testing. Allele origin: germline.
Comment: This variant was observed in the ICSL laboratory as part of a predisposition screen in an ostensibly healthy population. It had not been previously curated by ICSL or reported in the Human Gene Mutation Database (HGMD: prior to June 1st, 2018), and was therefore a candidate for classification through an automated scoring system. Utilizing variant allele frequency, disease prevalence and penetrance estimates, and inheritance mode, an automated score was calculated to assess if this variant is too frequent to cause the disease. Based on the score and internal cut-off values, a variant classified as benign is not then subjected to further curation. The score for this variant resulted in a classification of benign for this disease.

NM_000406.2(GNRHR):c.-1497C>T

Gene: GNRHR (gonadotropin releasing hormone receptor; minus strand). Cytogenetic location: 4q13.2.
Variant type: single nucleotide variant.
Coding change: c.-1497C>T on transcript NM_000406.2; 1497 bases upstream of the start codon, C replaced by T.
Genome position (GRCh38, 1-based): chr4:67,755,832, G>A on the plus strand (C>T on the coding strand, the complement: GNRHR is on the minus strand). VCF-style: chr4-67755832-G-A. GRCh37 (hg19) VCF-style: chr4-68621550-G-A.
Identifiers: ClinVar variation 349482 (VCV000349482.8), dbSNP rs13138607, ClinGen allele CA10621595.